The following is an entry in ClinVar:

NM_003394.4(WNT10B):c.117_136del (p.Glu39fs)

Gene: WNT10B (Wnt family member 10B; minus strand). Cytogenetic location: 12q13.12.
Variant type: Deletion.
Coding change: c.117_136del on transcript NM_003394.4 (MANE Select); coding-DNA positions 117 to 136, 20 bases deleted (GCCGCCGCTGACGGCCAACA).
Protein change: p.Glu39fs; shifts the reading frame from glutamic acid 39.
Molecular consequence: frameshift variant.
Genome position (GRCh38, 1-based): chr12:48,970,290-48,970,309, TGTTGGCCGTCAGCGGCGGC deleted on the plus strand (GCCGCCGCTGACGGCCAACA on the coding strand, the reverse complement: WNT10B is on the minus strand); deleting any 20 consecutive bases within chr12:48,970,290-48,970,310 gives the same sequence; the c. name uses the placement nearest the transcript's 3' end. VCF-style (leftmost placement, unchanged base first): chr12-48970289-GTGTTGGCCGTCAGCGGCGGC-G. GRCh37 (hg19) VCF-style: chr12-49364072-GTGTTGGCCGTCAGCGGCGGC-G.
Other names: short protein forms E39fs.
Identifiers: ClinVar variation 1333232 (VCV001333232.1), dbSNP rs2137615101, ClinGen allele CA2573053677.

ClinVar aggregate classification (germline): Pathogenic (1 of 4 stars; one submission).

Conditions:
Split hand-foot malformation 6. Also called: ECTRODACTYLY, AUTOSOMAL RECESSIVE. Identifiers: Orphanet 2440, MedGen C2749665, MONDO:0009157, OMIM 225300.

Submission:

3billion
Classification: Pathogenic for Split hand-foot malformation 6. Last evaluated: 2022-01-03. Review status: criteria provided, single submitter. Criteria: ACMG Guidelines, 2015. Collection method: clinical testing. Allele origin: germline. Affected: yes. Observed: 1 homozygote.
Comment: Frameshift: predicted to result in a loss or disruption of normal protein function through nonsense-mediated decay (NMD) or protein truncation. Multiple pathogenic variants are reported downstream of the variant (PVS1_VS). It is not observed in the gnomAD v2.1.1 dataset (PM2_M). Patient’s phenotype is considered compatible with WNT10B-related disorder (PP4_P). Therefore, this variant is classified as pathogenic according to the recommendation of ACMG/AMP guideline.